The following is an entry in ClinVar:

NM_002582.4(PARN):c.736G>A (p.Glu246Lys)

Gene: PARN (poly(A)-specific ribonuclease; minus strand). Cytogenetic location: 16p13.12.
Variant type: single nucleotide variant.
Coding change: c.736G>A on transcript NM_002582.4 (MANE Select); coding-DNA position 736, G replaced by A.
Protein change: p.Glu246Lys; replaces glutamic acid 246 with lysine.
Molecular consequence: missense variant.
Genome position (GRCh38, 1-based): chr16:14,604,193, C>T on the plus strand (G>A on the coding strand, the complement: PARN is on the minus strand). VCF-style: chr16-14604193-C-T. GRCh37 (hg19) VCF-style: chr16-14698050-C-T.
Other names: c.553G>A, p.Glu185Lys (NM_001134477.3); c.598G>A, p.Glu200Lys (NM_001242992.2); c.736G>A (NM_002582.3); short protein forms E185K, E200K, E246K.
Identifiers: ClinVar variation 3762348 (VCV003762348.3).
Genomic context (GRCh38, chr16:14,604,193, plus strand): 5'-ATAGCCCAATTACCTGTTCTTTGGCATGTTTCTGCTGCTCTCTTCTTTTGCGTTCTTCTT[C>T]ATCTACTTTGCTGATAACTATATATCGCTCCTTCTAAAAGACATAAAGCAGATATACAAT-3'
Protein context (NP_002573.1, residues 236-256): ERYIVISKVD[Glu246Lys]EERKRREQQK

ClinVar aggregate classification (germline): Uncertain significance. Review status: criteria provided, multiple submitters, no conflicts (2 of 4 stars). 2 submissions from 2 submitters: Uncertain significance (2). Last evaluated 2026-04-06.

Conditions:
Pulmonary fibrosis and/or bone marrow failure, Telomere-related, 4. Also called: PULMONARY FIBROSIS AND/OR BONE MARROW FAILURE SYNDROME, TELOMERE-RELATED, 4. Identifiers: Orphanet 2032, MedGen C4225347, MONDO:0014612, OMIM 616371.
Dyskeratosis congenita, autosomal recessive 6 (DKCB6). Identifiers: MedGen C4225356, MONDO:0014600, OMIM 616353.
Inborn genetic diseases. Identifiers: MedGen C0950123, MeSH D030342.

gnomAD v4.1: 4 of 1,599,606 alleles (0.00025%); highest among the groups gnomAD compares: Non-Finnish European, 0.00034%; no homozygotes.

Submissions (2):

Ambry Genetics
Classification: Uncertain significance for Inborn genetic diseases. Last evaluated: 2026-04-06. Review status: criteria provided, single submitter. Criteria: Ambry Variant Classification Scheme 2023. Collection method: clinical testing. Allele origin: germline.

Labcorp Genetics (formerly Invitae), Labcorp
Classification: Uncertain significance for Dyskeratosis congenita, autosomal recessive 6; Pulmonary fibrosis and/or bone marrow failure, Telomere-related, 4. Last evaluated: 2024-12-05. Review status: criteria provided, single submitter. Criteria: Invitae Variant Classification Sherloc (09022015). Collection method: clinical testing. Allele origin: germline.
Comment: This sequence change replaces glutamic acid, which is acidic and polar, with lysine, which is basic and polar, at codon 246 of the PARN protein (p.Glu246Lys). This variant is present in population databases (rs377683314, gnomAD 0.0009%). This variant has not been reported in the literature in individuals affected with PARN-related conditions. Invitae Evidence Modeling of protein sequence and biophysical properties (such as structural, functional, and spatial information, amino acid conservation, physicochemical variation, residue mobility, and thermodynamic stability) indicates that this missense variant is not expected to disrupt PARN protein function with a negative predictive value of 80%. In summary, the available evidence is currently insufficient to determine the role of this variant in disease. Therefore, it has been classified as a Variant of Uncertain Significance.